The following is an entry in ClinVar:

ClinVar aggregate classification (germline): Uncertain significance. Review status: criteria provided, multiple submitters, no conflicts (2 of 4 stars). 2 submissions from 2 submitters: Uncertain significance (2). Last evaluated 2025-11-25.

Conditions:
Hereditary cancer-predisposing syndrome. Also called: Hereditary neoplastic syndrome; Neoplastic Syndromes, Hereditary; Tumor predisposition; Hereditary Cancer Syndrome. Identifiers: Orphanet 140162, MedGen C0027672, MeSH D009386, MONDO:0015356.
Ataxia-telangiectasia syndrome (AT). Also called: LOUIS-BAR SYNDROME; Cerebello-oculocutaneous telangiectasia; Immunodeficiency with ataxia telangiectasia; AT, COMPLEMENTATION GROUP C; Ataxia-telangiectasia, complementation group D; ATAXIA-TELANGIECTASIA, COMPLEMENTATION GROUP A. Identifiers: Orphanet 100, MedGen C0004135, MONDO:0008840, OMIM 208900.

Allele frequency attached by ClinVar (database versions not stated): TOPMed below 0.00001.

Submissions (2):

Ambry Genetics
Classification: Uncertain significance for Hereditary cancer-predisposing syndrome. Last evaluated: 2025-11-25. Review status: criteria provided, single submitter. Criteria: Ambry Variant Classification Scheme 2023. Collection method: clinical testing. Allele origin: germline.
Comment: The p.V1723A variant (also known as c.5168T>C), located in coding exon 33 of the ATM gene, results from a T to C substitution at nucleotide position 5168. The valine at codon 1723 is replaced by alanine, an amino acid with similar properties. This amino acid position is not well conserved in available vertebrate species. In addition, this alteration is predicted to be tolerated by in silico analysis. Since supporting evidence is limited at this time, the clinical significance of this alteration remains unclear.

Labcorp Genetics (formerly Invitae), Labcorp
Classification: Uncertain significance for Ataxia-telangiectasia syndrome. Last evaluated: 2025-01-08. Review status: criteria provided, single submitter. Criteria: Invitae Variant Classification Sherloc (09022015). Collection method: clinical testing. Allele origin: germline.
Comment: This sequence change replaces valine, which is neutral and non-polar, with alanine, which is neutral and non-polar, at codon 1723 of the ATM protein (p.Val1723Ala). This variant is not present in population databases (gnomAD no frequency). This variant has not been reported in the literature in individuals affected with ATM-related conditions. ClinVar contains an entry for this variant (Variation ID: 482752). Invitae Evidence Modeling of protein sequence and biophysical properties (such as structural, functional, and spatial information, amino acid conservation, physicochemical variation, residue mobility, and thermodynamic stability) indicates that this missense variant is not expected to disrupt ATM protein function with a negative predictive value of 95%. In summary, the available evidence is currently insufficient to determine the role of this variant in disease. Therefore, it has been classified as a Variant of Uncertain Significance.

NM_000051.4(ATM):c.5168T>C (p.Val1723Ala)

Gene: ATM (ATM serine/threonine kinase; plus strand). Cytogenetic location: 11q22.3.
Variant type: single nucleotide variant.
Coding change: c.5168T>C on transcript NM_000051.4 (MANE Select); coding-DNA position 5168, T replaced by C.
Protein change: p.Val1723Ala; replaces valine 1723 with alanine.
Molecular consequence: missense variant.
Genome position (GRCh38, 1-based): chr11:108,299,876, T>C. VCF-style: chr11-108299876-T-C. GRCh37 (hg19) VCF-style: chr11-108170603-T-C.
Other names: c.5168T>C, p.Val1723Ala (NM_001351834.2); short protein forms V1723A.
Identifiers: ClinVar variation 482752 (VCV000482752.14), dbSNP rs915337829, ClinGen allele CA228386278.